The following is an entry in ClinVar:

NM_004380.3(CREBBP):c.4170A>G (p.Pro1390=)

Gene: CREBBP (CREB binding lysine acetyltransferase; minus strand). Cytogenetic location: 16p13.3.
Variant type: single nucleotide variant.
Coding change: c.4170A>G on transcript NM_004380.3 (MANE Select); coding-DNA position 4170, A replaced by G.
Protein change: p.Pro1390=; no amino-acid change (proline 1390 retained).
Molecular consequence: synonymous variant.
Genome position (GRCh38, 1-based): chr16:3,739,688, T>C on the plus strand (A>G on the coding strand, the complement: CREBBP is on the minus strand). VCF-style: chr16-3739688-T-C. GRCh37 (hg19) VCF-style: chr16-3789689-T-C.
Other names: c.4056A>G, p.Pro1352= (NM_001079846.1).
Identifiers: ClinVar variation 1952866 (VCV001952866.24), dbSNP rs1426575895, ClinGen allele CA493280137.

ClinVar aggregate classification (germline): Likely benign. Review status: criteria provided, multiple submitters, no conflicts (2 of 4 stars). 2 submissions from 2 submitters: Likely benign (2). Last evaluated 2024-12-02.

Conditions:
Rubinstein-Taybi syndrome (RSTS). Identifiers: Orphanet 783, MedGen C0035934, MONDO:0019188.

Allele frequency attached by ClinVar (database versions not stated): TOPMed below 0.00001; gnomAD 0.00001; gnomAD exomes 0.00001.
gnomAD v4.1: 4 of 1,614,112 alleles (0.00025%); highest among the groups gnomAD compares: Admixed American, 0.0033%; no homozygotes.

Submissions (2):

Labcorp Genetics (formerly Invitae), Labcorp
Classification: Likely benign for Rubinstein-Taybi syndrome. Last evaluated: 2024-12-02. Review status: criteria provided, single submitter. Criteria: Invitae Variant Classification Sherloc (09022015). Collection method: clinical testing. Allele origin: germline.

CeGaT Center for Human Genetics Tuebingen
Classification: Likely benign. Last evaluated: 2024-05-01. Review status: criteria provided, single submitter. Criteria: CeGaT Center For Human Genetics Tuebingen Variant Classification Criteria Version 2. Collection method: clinical testing. Allele origin: germline. Affected: yes. Observed: 1 variant allele.
Comment: CREBBP: BP4, BP7